The following is an entry in ClinVar:

NM_004385.5(VCAN):c.2392G>A (p.Ala798Thr)

Gene: VCAN (versican; plus strand). Cytogenetic location: 5q14.3.
Variant type: single nucleotide variant.
Coding change: c.2392G>A on transcript NM_004385.5 (MANE Select); coding-DNA position 2392, G replaced by A.
Protein change: p.Ala798Thr; replaces alanine 798 with threonine.
Molecular consequence: missense variant. On other transcripts: intron variant (2).
Genome position (GRCh38, 1-based): chr5:83,520,698, G>A. VCF-style: chr5-83520698-G-A. GRCh37 (hg19) VCF-style: chr5-82816517-G-A.
Other names: c.2392G>A, p.Ala798Thr (NM_001164098.2); c.1042+8302G>A (NM_001164097.2, NM_001126336.3); short protein forms A798T.
Identifiers: ClinVar variation 2987630 (VCV002987630.4), dbSNP rs368714153, ClinGen allele CA3332834.

ClinVar aggregate classification (germline): Uncertain significance. Review status: criteria provided, multiple submitters, no conflicts (2 of 4 stars). 2 submissions from 2 submitters: Uncertain significance (2). Last evaluated 2023-04-12.

Allele frequency attached by ClinVar (database versions not stated): gnomAD exomes below 0.00001; ExAC 0.00001; ESP Exome Variant Server 0.00008.
gnomAD v4.1: 3 of 1,614,080 alleles (0.00019%); highest among the groups gnomAD compares: Non-Finnish European, 0.00025%; no homozygotes.

Submissions (2):

Blueprint Genetics
Classification: Uncertain significance. Last evaluated: 2023-04-12. Review status: criteria provided, single submitter. Criteria: ACMG Guidelines, 2015. Collection method: clinical testing. Allele origin: germline.

Labcorp Genetics (formerly Invitae), Labcorp
Classification: Uncertain significance. Last evaluated: 2023-02-27. Review status: criteria provided, single submitter. Criteria: Invitae Variant Classification Sherloc (09022015). Collection method: clinical testing. Allele origin: germline.
Comment: In summary, the available evidence is currently insufficient to determine the role of this variant in disease. Therefore, it has been classified as a Variant of Uncertain Significance. An algorithm developed to predict the effect of missense changes on protein structure and function (PolyPhen-2) suggests that this variant is likely to be tolerated. This variant has not been reported in the literature in individuals affected with VCAN-related conditions. This variant is present in population databases (rs368714153, gnomAD 0.002%). This sequence change replaces alanine, which is neutral and non-polar, with threonine, which is neutral and polar, at codon 798 of the VCAN protein (p.Ala798Thr).